The following is an entry in ClinVar:

NM_004608.4(TBX6):c.366_398del (p.Ala123_Pro133del)

Gene: TBX6 (T-box transcription factor 6; minus strand). Cytogenetic location: 16p11.2.
Variant type: Deletion.
Coding change: c.366_398del on transcript NM_004608.4 (MANE Select); coding-DNA positions 366 to 398, 33 bases deleted.
Protein change: p.Ala123_Pro133del.
Genome position (GRCh38, 1-based): chr16:30,089,166-30,089,198, 33 bases deleted; deleting any 33 consecutive bases within chr16:30,089,166-30,089,201 gives the same sequence; the c. name uses the placement nearest the transcript's 3' end. GRCh37 (hg19): chr16:30,100,490-30,100,522.
Identifiers: ClinVar variation 3687524 (VCV003687524.2).

ClinVar aggregate classification (germline): Uncertain significance (1 of 4 stars; one submission).

Submission:

Labcorp Genetics (formerly Invitae), Labcorp
Classification: Uncertain significance. Last evaluated: 2024-07-16. Review status: criteria provided, single submitter. Criteria: Invitae Variant Classification Sherloc (09022015). Collection method: clinical testing. Allele origin: germline.
Comment: This variant, c.366_398del, results in the deletion of 11 amino acid(s) of the TBX6 protein (p.Ala123_Pro133del), but otherwise preserves the integrity of the reading frame. This variant is not present in population databases (gnomAD no frequency). This variant has not been reported in the literature in individuals affected with TBX6-related conditions. Experimental studies and prediction algorithms are not available or were not evaluated, and the functional significance of this variant is currently unknown. In summary, the available evidence is currently insufficient to determine the role of this variant in disease. Therefore, it has been classified as a Variant of Uncertain Significance.